The following is an entry in ClinVar:

ClinVar aggregate classification (germline): Benign/Likely benign. Review status: criteria provided, multiple submitters, no conflicts (2 of 4 stars). 6 submissions from 6 submitters: Benign (1); Likely benign (5). Last evaluated 2025-12-02.

Conditions:
Hereditary cancer-predisposing syndrome. Also called: Hereditary Cancer Syndrome; Tumor predisposition; Neoplastic Syndromes, Hereditary; Hereditary neoplastic syndrome. Identifiers: Orphanet 140162, MedGen C0027672, MeSH D009386, MONDO:0015356.
Familial cancer of breast. Also called: hereditary breast carcinoma; BREAST CANCER, FAMILIAL; Hereditary breast cancer. Identifiers: Orphanet 227535, MedGen C0346153, MONDO:0016419, OMIM 114480. Disease mechanism: loss of function.
Ataxia-telangiectasia syndrome (AT). Also called: ATAXIA-TELANGIECTASIA, COMPLEMENTATION GROUP A; ATAXIA-TELANGIECTASIA, FRESNO VARIANT; Ataxia-telangiectasia; Ataxia-telangiectasia, complementation group E; Cerebello-oculocutaneous telangiectasia; Immunodeficiency with ataxia telangiectasia. Identifiers: Orphanet 100, MedGen C0004135, MONDO:0008840, OMIM 208900.

Allele frequency attached by ClinVar (database versions not stated): gnomAD exomes below 0.00001; gnomAD 0.00001.
gnomAD v4.1: 4 of 1,613,988 alleles (0.00025%); highest among the groups gnomAD compares: East Asian, 0.0045%; no homozygotes.

Submissions (6):

Labcorp Genetics (formerly Invitae), Labcorp
Classification: Likely benign for Ataxia-telangiectasia syndrome. Last evaluated: 2025-12-02. Review status: criteria provided, single submitter. Criteria: Invitae Variant Classification Sherloc (09022015). Collection method: clinical testing. Allele origin: germline.

Myriad Genetics, Inc.
Classification: Benign for Familial cancer of breast. Last evaluated: 2024-06-06. Review status: criteria provided, single submitter. Criteria: Myriad Autosomal Dominant, Autosomal Recessive and X-Linked Classification Criteria (2023). Collection method: clinical testing. Allele origin: unknown.
Comment: This variant is considered benign. This variant is a silent/synonymous amino acid change and it is not expected to impact splicing.

Sema4
Classification: Likely benign for Hereditary cancer-predisposing syndrome. Last evaluated: 2022-02-07. Review status: criteria provided, single submitter. Criteria: Sema4 Curation Guidelines. Collection method: curation. Allele origin: germline.

GeneDx
Classification: Likely benign. Last evaluated: 2017-11-20. Review status: criteria provided, single submitter. Criteria: GeneDx Variant Classification (06012015). Collection method: clinical testing. Allele origin: germline. Affected: yes.
Comment: This variant is considered likely benign or benign based on one or more of the following criteria: it is a conservative change, it occurs at a poorly conserved position in the protein, it is predicted to be benign by multiple in silico algorithms, and/or has population frequency not consistent with disease.

Color Diagnostics, LLC DBA Color Health
Classification: Likely benign for Hereditary cancer-predisposing syndrome. Last evaluated: 2016-11-18. Review status: criteria provided, single submitter. Criteria: ACMG Guidelines, 2015. Collection method: clinical testing. Allele origin: germline.

Ambry Genetics
Classification: Likely benign for Hereditary cancer-predisposing syndrome. Last evaluated: 2014-12-30. Review status: criteria provided, single submitter. Criteria: Ambry Variant Classification Scheme 2023. Collection method: clinical testing. Allele origin: germline.

NM_000051.4(ATM):c.6504G>A (p.Ser2168=)

Genes: ATM (ATM serine/threonine kinase; plus strand), C11orf65 (chromosome 11 open reading frame 65; minus strand). Cytogenetic location: 11q22.3.
Variant type: single nucleotide variant.
Coding change: c.6504G>A on transcript NM_000051.4 (MANE Select); coding-DNA position 6504, G replaced by A.
Protein change: p.Ser2168=; no amino-acid change (serine 2168 retained).
Molecular consequence: synonymous variant. On other transcripts: intron variant (2).
Genome position (GRCh38, 1-based): chr11:108,321,352, G>A. VCF-style: chr11-108321352-G-A. GRCh37 (hg19) VCF-style: chr11-108192079-G-A.
Other names: c.6504G>A, p.Ser2168= (NM_001351834.2); c.641-12281C>T (NM_001330368.2); c.*39-12281C>T (NM_001351110.2).
Identifiers: ClinVar variation 187165 (VCV000187165.18), dbSNP rs786203522, ClinGen allele CA196901.